The following is an entry in ClinVar:

ClinVar aggregate classification (germline): Uncertain significance. Review status: criteria provided, multiple submitters, no conflicts (2 of 4 stars). 2 submissions from 2 submitters: Uncertain significance (2). Last evaluated 2025-09-15.

Conditions:
Hypertrophic cardiomyopathy 12. Identifiers: MedGen C2677491, MONDO:0012804, OMIM 612124.
Dilated cardiomyopathy 1M (CMD1M). Identifiers: Orphanet 154, MedGen C1843808, MONDO:0011840, OMIM 607482.

Submissions (2):

Labcorp Genetics (formerly Invitae), Labcorp
Classification: Uncertain significance for Hypertrophic cardiomyopathy 12; Dilated cardiomyopathy 1M. Last evaluated: 2025-09-15. Review status: criteria provided, single submitter. Criteria: Invitae Variant Classification Sherloc (09022015). Collection method: clinical testing. Allele origin: germline.
Comment: This variant, c.565_567del, results in the deletion of 1 amino acid(s) of the CSRP3 protein (p.Gln189del), but otherwise preserves the integrity of the reading frame. This variant is not present in population databases (gnomAD no frequency). This variant has not been reported in the literature in individuals affected with CSRP3-related conditions. Experimental studies and prediction algorithms are not available or were not evaluated, and the functional significance of this variant is currently unknown. Algorithms developed to predict the effect of sequence changes on RNA splicing suggest that this variant may disrupt the consensus splice site. In summary, the available evidence is currently insufficient to determine the role of this variant in disease. Therefore, it has been classified as a Variant of Uncertain Significance.

GeneDx
Classification: Uncertain significance. Last evaluated: 2019-01-16. Review status: criteria provided, single submitter. Criteria: GeneDx Variant Classification (06012015). Collection method: clinical testing. Allele origin: germline. Affected: yes.
Comment: The c.565_567delCAA variant of uncertain significance in the CSRP3 gene has not been published as pathogenic or been reported as benign to our knowledge. c.565_567delCAA results in an in-frame deletion of a glutamine residue at position 189, denoted p.Gln189del (Q189del). This deletion occurs at a residue that is conserved across species, yet the preceding glutamine residue (Q188) is not conserved. In silico analysis predicts this variant likely does not alter the protein structure/function. Furthermore, no downstream in-frame deletions or insertions, or pathogenic missense variants in nearby residues have been reported in Human Gene Mutation Database (Stenson et al., 2014). Nevertheless, the c.565_567delCAA variant is not observed in large population cohorts (Lek et al., 2016; 1000 Genomes Consortium et al., 2015; Exome Variant Server).

NM_003476.5(CSRP3):c.562CAA[1] (p.Gln189del)

Gene: CSRP3 (cysteine and glycine rich protein 3; minus strand). Cytogenetic location: 11p15.1.
Variant type: Microsatellite.
Coding change: c.562CAA[1] on transcript NM_003476.5 (MANE Select); one copy of the 3-base unit CAA starting at c.562; the reference has two copies in a row; one copy, 3 bases deleted.
Protein change: p.Gln189del; deletes glutamine 189.
Molecular consequence: inframe deletion.
Genome position (GRCh38, 1-based): chr11:19,182,688-19,182,690, TTG deleted on the plus strand (CAA on the coding strand, the reverse complement: CSRP3 is on the minus strand); deleting any 3 consecutive bases within chr11:19,182,688-19,182,694 gives the same sequence; the position shown is the placement nearest the transcript's 3' end. VCF-style (leftmost placement, unchanged base first): chr11-19182687-CTTG-C. GRCh37 (hg19) VCF-style: chr11-19204234-CTTG-C.
Other names: c.393CAA[1], p.Asn132del (NM_001369404.1); short protein forms Q189del, N132del.
Identifiers: ClinVar variation 451189 (VCV000451189.9), dbSNP rs1173035411, ClinGen allele CA658658032.
Genomic context (GRCh38, chr11:19,182,687, plus strand): 5'-AGTGTTTTAGGCTCGCAAAAAATCTGAGAAACGGCGCACCTCTTCATTCTTTCTTTTCCA[CTTG>C]TTGTGTAAGGCCTCCAAACCCAATACCCGTGGGGCCAAAATTTTTGGCATAGCAAACTGT-3'